The following is an entry in ClinVar:

NM_001009999.3(KDM1A):c.900G>C (p.Lys300Asn)

Gene: KDM1A (lysine demethylase 1A; plus strand). Cytogenetic location: 1p36.12.
Variant type: single nucleotide variant.
Coding change: c.900G>C on transcript NM_001009999.3 (MANE Select); coding-DNA position 900, G replaced by C.
Protein change: p.Lys300Asn; replaces lysine 300 with asparagine.
Molecular consequence: missense variant.
Genome position (GRCh38, 1-based): chr1:23,055,948, G>C. VCF-style: chr1-23055948-G-C. GRCh37 (hg19) VCF-style: chr1-23382441-G-C.
Other names: c.840G>C, p.Lys280Asn (NM_001363654.2, NM_001410763.1, NM_015013.4); c.900G>C, p.Lys300Asn (NM_001410762.1); short protein forms K300N, K280N.
Identifiers: ClinVar variation 4042073 (VCV004042073.1).

ClinVar aggregate classification (germline): Uncertain significance (1 of 4 stars; one submission).

Conditions:
Inborn genetic diseases. Identifiers: MedGen C0950123, MeSH D030342.

Submission:

Ambry Genetics
Classification: Uncertain significance for Inborn genetic diseases. Last evaluated: 2025-03-31. Review status: criteria provided, single submitter. Criteria: Ambry Variant Classification Scheme 2023. Collection method: clinical testing. Allele origin: germline.
Comment: The p.K300N variant (also known as c.900G>C), located in coding exon 7 of the KDM1A gene, results from a G to C substitution at nucleotide position 900. The lysine at codon 300 is replaced by asparagine, an amino acid with similar properties. This amino acid position is conserved. In addition, this alteration is predicted to be tolerated by in silico analysis. Based on the available evidence, the clinical significance of this variant remains unclear.